The following is an entry in ClinVar:

ClinVar aggregate classification (germline): Uncertain significance (1 of 4 stars; one submission).

Conditions:
Nemaline myopathy 2 (NEM2). Also called: Nemaline myopathy 2, autosomal recessive. Identifiers: MedGen C1850569, MONDO:0009725, OMIM 256030.

Allele frequency attached by ClinVar (database versions not stated): gnomAD exomes 0.00001.
gnomAD v4.1: 3 of 1,586,434 alleles (0.00019%); highest among the groups gnomAD compares: Admixed American, 0.0036%; no homozygotes.

Submission:

Labcorp Genetics (formerly Invitae), Labcorp
Classification: Uncertain significance for Nemaline myopathy 2. Last evaluated: 2024-05-20. Review status: criteria provided, single submitter. Criteria: Invitae Variant Classification Sherloc (09022015). Collection method: clinical testing. Allele origin: germline.
Comment: This sequence change replaces threonine, which is neutral and polar, with serine, which is neutral and polar, at codon 8120 of the NEB protein (p.Thr8120Ser). This variant is present in population databases (no rsID available, gnomAD 0.003%). This variant has not been reported in the literature in individuals affected with NEB-related conditions. ClinVar contains an entry for this variant (Variation ID: 1016957). Experimental studies and prediction algorithms are not available or were not evaluated, and the functional significance of this variant is currently unknown. In summary, the available evidence is currently insufficient to determine the role of this variant in disease. Therefore, it has been classified as a Variant of Uncertain Significance.

NM_001164508.2(NEB):c.24254C>G (p.Thr8085Ser)

Genes: NEB (nebulin; minus strand), RIF1 (replication timing regulatory factor 1; plus strand). Cytogenetic location: 2q23.3.
Variant type: single nucleotide variant.
Coding change: c.24254C>G on transcript NM_001164508.2 (MANE Select); coding-DNA position 24254, C replaced by G.
Protein change: p.Thr8085Ser; replaces threonine 8085 with serine.
Molecular consequence: missense variant. On other transcripts: intron variant (1).
Genome position (GRCh38, 1-based): chr2:151,497,672, G>C on the plus strand (C>G on the coding strand, the complement: NEB is on the minus strand). VCF-style: chr2-151497672-G-C. GRCh37 (hg19) VCF-style: chr2-152354186-G-C.
Other names: c.24254C>G, p.Thr8085Ser (NM_001164507.2); c.24359C>G, p.Thr8120Ser (NM_001271208.2); c.18826-1304C>G (NM_004543.5); short protein forms T8085S, T8120S.
Identifiers: ClinVar variation 1016957 (VCV001016957.6), dbSNP rs1297487988, ClinGen allele CA348778911.